The following is an entry in ClinVar:

NM_152713.5(STT3A):c.632G>A (p.Gly211Asp)

Gene: STT3A (STT3 oligosaccharyltransferase complex catalytic subunit A; plus strand). Cytogenetic location: 11q24.2.
Variant type: single nucleotide variant.
Coding change: c.632G>A on transcript NM_152713.5 (MANE Select); coding-DNA position 632, G replaced by A.
Protein change: p.Gly211Asp; replaces glycine 211 with aspartic acid.
Molecular consequence: missense variant.
Genome position (GRCh38, 1-based): chr11:125,606,317, G>A. VCF-style: chr11-125606317-G-A. GRCh37 (hg19) VCF-style: chr11-125476212-G-A.
Other names: c.632G>A, p.Gly211Asp (NM_001278503.2); c.356G>A, p.Gly119Asp (NM_001278504.2); short protein forms G119D, G211D.
Identifiers: ClinVar variation 2009724 (VCV002009724.4), dbSNP rs2498144231, ClinGen allele CA383184091.

ClinVar aggregate classification (germline): Uncertain significance (1 of 4 stars; one submission).

Submission:

Labcorp Genetics (formerly Invitae), Labcorp
Classification: Uncertain significance. Last evaluated: 2022-07-21. Review status: criteria provided, single submitter. Criteria: Invitae Variant Classification Sherloc (09022015). Collection method: clinical testing. Allele origin: germline.
Comment: In summary, the available evidence is currently insufficient to determine the role of this variant in disease. Therefore, it has been classified as a Variant of Uncertain Significance. Algorithms developed to predict the effect of missense changes on protein structure and function (SIFT, PolyPhen-2, Align-GVGD) all suggest that this variant is likely to be disruptive. This variant has not been reported in the literature in individuals affected with STT3A-related conditions. This variant is not present in population databases (gnomAD no frequency). This sequence change replaces glycine, which is neutral and non-polar, with aspartic acid, which is acidic and polar, at codon 211 of the STT3A protein (p.Gly211Asp).